The following is an entry in ClinVar:

ClinVar aggregate classification (germline): Uncertain significance (1 of 4 stars; one submission).

Submission:

Ambry Genetics
Classification: Uncertain significance. Last evaluated: 2021-10-20. Review status: criteria provided, single submitter. Criteria: Ambry Variant Classification Scheme 2023. Collection method: clinical testing. Allele origin: germline.
Comment: The c.363+4A>C intronic variant results from an A to C substitution 4 nucleotides after coding exon 3 in the KIF1B gene. This nucleotide position is well conserved in available vertebrate species. In silico splice site analysis predicts that this alteration will not have any significant effect on splicing. Since supporting evidence is limited at this time, the clinical significance of this alteration remains unclear.

NM_001365951.3(KIF1B):c.363+4A>C

Gene: KIF1B (kinesin family member 1B; plus strand). Cytogenetic location: 1p36.22.
Variant type: single nucleotide variant.
Coding change: c.363+4A>C on transcript NM_001365951.3 (MANE Select); 4 bases into the intron after coding-DNA position 363, A replaced by C.
Molecular consequence: intron variant.
Genome position (GRCh38, 1-based): chr1:10,258,676, A>C. VCF-style: chr1-10258676-A-C. GRCh37 (hg19) VCF-style: chr1-10318734-A-C.
Other names: c.363+4A>C (NM_183416.4, NM_015074.3, NM_001365952.1 and 1 more transcripts).
Identifiers: ClinVar variation 1733408 (VCV001733408.2), dbSNP rs2523466049, ClinGen allele CA2580060779.